The following is an entry in ClinVar:

NM_014915.3(ANKRD26):c.3043_3066del (p.Ala1015_Gln1022del)

Gene: ANKRD26 (ankyrin repeat domain 26; minus strand). Cytogenetic location: 10p12.1.
Variant type: Deletion.
Coding change: c.3043_3066del on transcript NM_014915.3 (MANE Select); coding-DNA positions 3043 to 3066, 24 bases deleted (GCTGCTATACATGATCGTGATCAA).
Protein change: p.Ala1015_Gln1022del.
Molecular consequence: inframe deletion.
Genome position (GRCh38, 1-based): chr10:27,035,384-27,035,407, TTGATCACGATCATGTATAGCAGC deleted on the plus strand (GCTGCTATACATGATCGTGATCAA on the coding strand, the reverse complement: ANKRD26 is on the minus strand). VCF-style (leftmost placement, unchanged base first): chr10-27035383-TTTGATCACGATCATGTATAGCAGC-T. GRCh37 (hg19) VCF-style: chr10-27324312-TTTGATCACGATCATGTATAGCAGC-T.
Other names: c.3040_3063del, p.Ala1014_Gln1021del (NM_001256053.2).
Identifiers: ClinVar variation 2885961 (VCV002885961.3), dbSNP rs751473714, ClinGen allele CA5448101.

ClinVar aggregate classification (germline): Uncertain significance (1 of 4 stars; one submission).

Allele frequency attached by ClinVar (database versions not stated): ExAC 0.00001; gnomAD 0.00001; gnomAD exomes 0.00001; TOPMed 0.00001.

Submission:

Labcorp Genetics (formerly Invitae), Labcorp
Classification: Uncertain significance. Last evaluated: 2023-06-20. Review status: criteria provided, single submitter. Criteria: Invitae Variant Classification Sherloc (09022015). Collection method: clinical testing. Allele origin: germline.
Comment: In summary, the available evidence is currently insufficient to determine the role of this variant in disease. Therefore, it has been classified as a Variant of Uncertain Significance. Experimental studies and prediction algorithms are not available or were not evaluated, and the functional significance of this variant is currently unknown. This variant has not been reported in the literature in individuals affected with ANKRD26-related conditions. This variant is not present in population databases (gnomAD no frequency). This variant, c.3043_3066del, results in the deletion of 8 amino acid(s) of the ANKRD26 protein (p.Ala1015_Gln1022del), but otherwise preserves the integrity of the reading frame.